The following is an entry in ClinVar:

NM_001242882.2(NAXD):c.181G>C (p.Val61Leu)

Gene: NAXD (NAD(P)HX dehydratase; plus strand). Cytogenetic location: 13q34.
Variant type: single nucleotide variant.
Coding change: c.181G>C on transcript NM_001242882.2 (MANE Select); coding-DNA position 181, G replaced by C.
Protein change: p.Val61Leu; replaces valine 61 with leucine.
Molecular consequence: missense variant. On other transcripts: non-coding transcript variant (2), intron variant (1).
Genome position (GRCh38, 1-based): chr13:110,622,350, G>C. VCF-style: chr13-110622350-G-C. GRCh37 (hg19) VCF-style: chr13-111274697-G-C.
Other names: c.235G>C, p.Val79Leu (NM_001242881.2, NM_018210.4); c.57-5089G>C (NM_001242883.2); short protein forms V61L, V79L.
Identifiers: ClinVar variation 1031245 (VCV001031245.7), dbSNP rs770832128, ClinGen allele CA7051068.

ClinVar aggregate classification (germline): Uncertain significance. Review status: criteria provided, multiple submitters, no conflicts (2 of 4 stars). 2 submissions from 2 submitters: Uncertain significance (2). Last evaluated 2021-12-02.

Conditions:
NAD(P)HX dehydratase deficiency. Also called: Encephalopathy, progressive, early-onset, with brain edema and/or leukoencephalopathy, 2. Identifiers: Orphanet 555402, MedGen C5193026, MONDO:0034121, OMIM 618321.

Allele frequency attached by ClinVar (database versions not stated): ExAC 0.00001; TOPMed 0.00001.
gnomAD v4.1: 5 of 1,614,212 alleles (0.00031%); highest among the groups gnomAD compares: Admixed American, 0.0083%; no homozygotes.

Submissions (2):

Labcorp Genetics (formerly Invitae), Labcorp
Classification: Uncertain significance. Last evaluated: 2021-12-02. Review status: criteria provided, single submitter. Criteria: Invitae Variant Classification Sherloc (09022015). Collection method: clinical testing. Allele origin: germline.
Comment: This variant has not been reported in the literature in individuals affected with NAXD-related conditions. This sequence change replaces valine, which is neutral and non-polar, with leucine, which is neutral and non-polar, at codon 79 of the NAXD protein (p.Val79Leu). This variant is present in population databases (rs770832128, gnomAD 0.01%). ClinVar contains an entry for this variant (Variation ID: 1031245). Algorithms developed to predict the effect of missense changes on protein structure and function are either unavailable or do not agree on the potential impact of this missense change (SIFT: "Tolerated"; PolyPhen-2: "Possibly Damaging"; Align-GVGD: "Class C0"). In summary, the available evidence is currently insufficient to determine the role of this variant in disease. Therefore, it has been classified as a Variant of Uncertain Significance.

Baylor Genetics
Classification: Uncertain significance for NAD(P)HX dehydratase deficiency. Last evaluated: 2019-10-09. Review status: criteria provided, single submitter. Criteria: ACMG Guidelines, 2015. Collection method: clinical testing. Allele origin: unknown. Affected: yes.
Comment: This variant was determined to be of uncertain significance according to ACMG Guidelines, 2015 [PMID:25741868].